The following is an entry in ClinVar:

NM_000059.4(BRCA2):c.8755-560G>A

Gene: BRCA2 (BRCA2 DNA repair associated; plus strand). Cytogenetic location: 13q13.1.
Variant type: single nucleotide variant.
Coding change: c.8755-560G>A on transcript NM_000059.4 (MANE Select); 560 bases into the intron before coding-DNA position 8755, G replaced by A.
Molecular consequence: intron variant.
Genome position (GRCh38, 1-based): chr13:32,378,757, G>A. VCF-style: chr13-32378757-G-A. GRCh37 (hg19) VCF-style: chr13-32952894-G-A.
Identifiers: ClinVar variation 264943 (VCV000264943.4), dbSNP rs114056196, ClinGen allele CA10588154.

ClinVar aggregate classification (germline): Benign. Review status: reviewed by expert panel (3 of 4 stars). 2 submissions from 2 submitters: Benign (1). 1 of the submissions does not count toward it. Last evaluated 2016-09-28.

Conditions:
Breast-ovarian cancer, familial, susceptibility to, 2 (BROVCA2). Also called: BRCA2 Hereditary Breast and Ovarian Cancer. Identifiers: Orphanet 145, MedGen C2675520, MONDO:0012933, OMIM 612555. Disease mechanism: loss of function.

Allele frequency attached by ClinVar (database versions not stated): gnomAD 0.00251 and 0.00267; TOPMed 0.00293; 1000 Genomes Project 30x 0.00297; 1000 Genomes Project 0.00300.
gnomAD v4.1: 375 of 152,284 alleles (0.25%); highest among the groups gnomAD compares: African/African-American, 0.85%; 1 homozygote.

Submissions (2):

Evidence-based Network for the Interpretation of Germline Mutant Alleles (ENIGMA)
Classification: Benign for Breast-ovarian cancer, familial, susceptibility to, 2. Last evaluated: 2016-09-28. Review status: reviewed by expert panel. Criteria: ENIGMA BRCA1/2 Classification Criteria (2015). Collection method: curation. Allele origin: germline.
Comment: Class 1 not pathogenic based on frequency >1% in an outbred sampleset. Frequency 0.0106 (African), derived from 1000 genomes (2013-05-02).

GeneDx
Classification: Likely benign. Last evaluated: 2019-06-21. Review status: criteria provided, single submitter. Criteria: GeneDx Variant Classification Process June 2021. Collection method: clinical testing. Allele origin: germline. Affected: yes. Not counted in ClinVar's aggregate classification.